The following is an entry in ClinVar:

NM_002474.3(MYH11):c.5890G>C (p.Asp1964His)

Genes: MYH11 (myosin heavy chain 11; minus strand), NDE1 (nudE neurodevelopment protein 1; plus strand). Cytogenetic location: 16p13.11.
Variant type: single nucleotide variant.
Coding change: c.5890G>C on transcript NM_002474.3 (MANE Select); coding-DNA position 5890, G replaced by C.
Protein change: p.Asp1964His; replaces aspartic acid 1964 with histidine.
Molecular consequence: missense variant. On other transcripts: 3 prime UTR variant (2), intron variant (2).
Genome position (GRCh38, 1-based): chr16:15,704,020, C>G on the plus strand (G>C on the coding strand, the complement: MYH11 is on the minus strand). VCF-style: chr16-15704020-C-G. GRCh37 (hg19) VCF-style: chr16-15797877-C-G.
Other names: c.*112G>C (NM_001040113.2, NM_022844.3); c.5911G>C, p.Asp1971His (NM_001040114.2); c.947+7160C>G (NM_001143979.2, NM_017668.3); short protein forms D1964H, D1971H.
Identifiers: ClinVar variation 5025080 (VCV005025080.1).
Genomic context (GRCh38, chr16:15,704,020, plus strand): 5'-CTTGCCGTGGTGCAAAACTGTAGAAAGTTGCTTATTCACTGGCCTTGGTTCCATTGAAGT[C>G]TGCGTCTCGAGTGTCCGTTTCCTCCTCAGAACCATCTGCATTTTCAATAACTCTACGTCC-3'
Protein context (NP_002465.1, residues 1954-1972): SEEETDTRDA[Asp1964His]FNGTKASE

ClinVar aggregate classification (germline): Uncertain significance (1 of 4 stars; one submission).

Conditions:
Familial thoracic aortic aneurysm and aortic dissection (TAAD). Also called: Thoracic aortic aneurysms and dissections. Identifiers: Orphanet 91387, MedGen C4707243, MONDO:0019625.

gnomAD v4.1: 5 of 1,613,930 alleles (0.00031%); highest among the groups gnomAD compares: Non-Finnish European, 0.00042%; no homozygotes.

Submission:

Ambry Genetics
Classification: Uncertain significance for Familial thoracic aortic aneurysm and aortic dissection. Last evaluated: 2026-07-07. Review status: criteria provided, single submitter. Criteria: Ambry Variant Classification Scheme 2023. Collection method: clinical testing. Allele origin: germline.
Comment: The p.D1964H variant (also known as c.5890G>C), located in coding exon 40 of the MYH11 gene, results from a G to C substitution at nucleotide position 5890. The aspartic acid at codon 1964 is replaced by histidine, an amino acid with similar properties. This amino acid position is conserved. In addition, the in silico prediction for this alteration is inconclusive. Based on the available evidence, the clinical significance of this variant remains unclear.